The following is an entry in ClinVar:

ClinVar aggregate classification (germline): Uncertain significance (1 of 4 stars; one submission).

Submission:

Labcorp Genetics (formerly Invitae), Labcorp
Classification: Uncertain significance. Last evaluated: 2023-07-16. Review status: criteria provided, single submitter. Criteria: Invitae Variant Classification Sherloc (09022015). Collection method: clinical testing. Allele origin: germline.
Comment: This sequence change replaces glutamic acid, which is acidic and polar, with lysine, which is basic and polar, at codon 2204 of the CACNA1E protein (p.Glu2204Lys). This variant is not present in population databases (gnomAD no frequency). This variant has not been reported in the literature in individuals affected with CACNA1E-related conditions. Advanced modeling of protein sequence and biophysical properties (such as structural, functional, and spatial information, amino acid conservation, physicochemical variation, residue mobility, and thermodynamic stability) performed at Invitae indicates that this missense variant is not expected to disrupt CACNA1E protein function. In summary, the available evidence is currently insufficient to determine the role of this variant in disease. Therefore, it has been classified as a Variant of Uncertain Significance.

NM_001205293.3(CACNA1E):c.6739G>A (p.Glu2247Lys)

Gene: CACNA1E (calcium voltage-gated channel subunit alpha1 E; plus strand). Cytogenetic location: 1q25.3.
Variant type: single nucleotide variant.
Coding change: c.6739G>A on transcript NM_001205293.3 (MANE Select); coding-DNA position 6739, G replaced by A.
Protein change: p.Glu2247Lys; replaces glutamic acid 2247 with lysine.
Molecular consequence: missense variant.
Genome position (GRCh38, 1-based): chr1:181,798,631, G>A. VCF-style: chr1-181798631-G-A. GRCh37 (hg19) VCF-style: chr1-181767767-G-A.
Other names: c.6610G>A, p.Glu2204Lys (NM_000721.4); c.6553G>A, p.Glu2185Lys (NM_001205294.2); short protein forms E2247K, E2185K, E2204K.
Identifiers: ClinVar variation 2743796 (VCV002743796.3), dbSNP rs2525534077, ClinGen allele CA343845417.